The following is an entry in ClinVar:

NM_177924.5(ASAH1):c.786-3T>C

Gene: ASAH1 (N-acylsphingosine amidohydrolase 1; minus strand). Cytogenetic location: 8p22.
Variant type: single nucleotide variant.
Coding change: c.786-3T>C on transcript NM_177924.5 (MANE Select); 3 bases into the intron before coding-DNA position 786, T replaced by C.
Molecular consequence: intron variant.
Genome position (GRCh38, 1-based): chr8:18,059,706, A>G on the plus strand (T>C on the coding strand, the complement: ASAH1 is on the minus strand). VCF-style: chr8-18059706-A-G. GRCh37 (hg19) VCF-style: chr8-17917215-A-G.
Other names: c.834-3T>C (NM_004315.6); c.768-3T>C (NM_001127505.3); c.591-3T>C (NM_001363743.2).
Identifiers: ClinVar variation 1435931 (VCV001435931.4), dbSNP rs1224227864, ClinGen allele CA580501817.

ClinVar aggregate classification (germline): Conflicting classifications of pathogenicity. Review status: criteria provided, conflicting classifications (1 of 4 stars). 2 submissions from 2 submitters: Uncertain significance (1); Likely benign (1). Last evaluated 2023-05-08.

Allele frequency attached by ClinVar (database versions not stated): gnomAD exomes below 0.00001 and 0.00001; TOPMed 0.00001.
gnomAD v4.1: 3 of 1,605,758 alleles (0.00019%); highest among the groups gnomAD compares: Admixed American, 0.0034%; no homozygotes.

Submissions (2):

Blueprint Genetics
Classification: Likely benign. Last evaluated: 2023-05-08. Review status: criteria provided, single submitter. Criteria: ACMG Guidelines, 2015. Collection method: clinical testing. Allele origin: germline.

Labcorp Genetics (formerly Invitae), Labcorp
Classification: Uncertain significance. Last evaluated: 2022-10-18. Review status: criteria provided, single submitter. Criteria: Invitae Variant Classification Sherloc (09022015). Collection method: clinical testing. Allele origin: germline.
Comment: This sequence change falls in intron 10 of the ASAH1 gene. It does not directly change the encoded amino acid sequence of the ASAH1 protein. It affects a nucleotide within the consensus splice site. This variant is present in population databases (no rsID available, gnomAD 0.006%). This variant has not been reported in the literature in individuals affected with ASAH1-related conditions. ClinVar contains an entry for this variant (Variation ID: 1435931). Variants that disrupt the consensus splice site are a relatively common cause of aberrant splicing (PMID: 17576681, 9536098). Algorithms developed to predict the effect of sequence changes on RNA splicing suggest that this variant is not likely to affect RNA splicing. In summary, the available evidence is currently insufficient to determine the role of this variant in disease. Therefore, it has been classified as a Variant of Uncertain Significance.

Literature cited by the submitters: PubMed 17576681 (cited by Labcorp Genetics (formerly Invitae), Labcorp); PubMed 9536098 (cited by Labcorp Genetics (formerly Invitae), Labcorp).